The following is an entry in ClinVar:

ClinVar aggregate classification (germline): Uncertain significance. Review status: criteria provided, multiple submitters, no conflicts (2 of 4 stars). 2 submissions from 2 submitters: Uncertain significance (2). Last evaluated 2025-07-23.

Conditions:
TTN-related disorder. Also called: TTN-related condition; TTN-related disease; TTN-related disorders.

Allele frequency attached by ClinVar (database versions not stated): gnomAD exomes 0.00003; TOPMed 0.00003; gnomAD 0.00004.
gnomAD v4.1: 45 of 1,613,400 alleles (0.0028%); highest among the groups gnomAD compares: Non-Finnish European, 0.0037%; no homozygotes.

Submissions (2):

PreventionGenetics, part of Exact Sciences
Classification: Uncertain significance for TTN-related condition. Last evaluated: 2025-07-23. Review status: criteria provided, single submitter. Criteria: ACMG Guidelines, 2015. Collection method: clinical testing. Allele origin: germline.
Comment: The TTN c.75487A>G variant is predicted to result in the amino acid substitution p.Thr25163Ala. To our knowledge, this variant has not been reported in the literature. This variant is reported in 0.0031% of alleles in individuals of European (Non-Finnish) descent in gnomAD. At this time, the clinical significance of this variant is uncertain due to the absence of conclusive functional and genetic evidence.

Revvity Omics, Revvity
Classification: Uncertain significance. Last evaluated: 2023-12-13. Review status: criteria provided, single submitter. Criteria: ACMG Guidelines, 2015. Collection method: clinical testing. Allele origin: germline.

NM_001267550.2(TTN):c.75487A>G (p.Thr25163Ala)

Genes: TTN (titin; minus strand), TTN-AS1 (TTN antisense RNA 1; plus strand). Cytogenetic location: 2q31.2.
Variant type: single nucleotide variant.
Coding change: c.75487A>G on transcript NM_001267550.2 (MANE Select); coding-DNA position 75487, A replaced by G.
Protein change: p.Thr25163Ala; replaces threonine 25163 with alanine.
Molecular consequence: missense variant.
Genome position (GRCh38, 1-based): chr2:178,570,645, T>C on the plus strand (A>G on the coding strand, the complement: TTN is on the minus strand). VCF-style: chr2-178570645-T-C. GRCh37 (hg19) VCF-style: chr2-179435372-T-C.
Other names: c.70564A>G, p.Thr23522Ala (NM_001256850.1); c.48292A>G, p.Thr16098Ala (NM_003319.4); c.67783A>G, p.Thr22595Ala (NM_133378.4); c.48667A>G, p.Thr16223Ala (NM_133432.3); c.48868A>G, p.Thr16290Ala (NM_133437.4); short protein forms T16098A, T16223A, T16290A, T22595A, T23522A, T25163A.
Identifiers: ClinVar variation 2437940 (VCV002437940.4), dbSNP rs879020274, ClinGen allele CA60995882.